The following is an entry in ClinVar:

NM_015271.5(TRIM2):c.119T>C (p.Val40Ala)

Gene: TRIM2 (tripartite motif containing 2; plus strand). Cytogenetic location: 4q31.3.
Variant type: single nucleotide variant.
Coding change: c.119T>C on transcript NM_015271.5 (MANE Select); coding-DNA position 119, T replaced by C.
Protein change: p.Val40Ala; replaces valine 40 with alanine.
Molecular consequence: missense variant. On other transcripts: 5 prime UTR variant (3), intron variant (1).
Genome position (GRCh38, 1-based): chr4:153,270,423, T>C. VCF-style: chr4-153270423-T-C. GRCh37 (hg19) VCF-style: chr4-154191575-T-C.
Other names: c.38T>C, p.Val13Ala (NM_001130067.2, NM_001351056.2, NM_001375512.1 and 5 more transcripts); c.119T>C, p.Val40Ala (NM_001302692.2, NM_001375488.1, NM_001375490.1 and 1 more transcripts); c.116T>C, p.Val39Ala (NM_001302693.2, NM_001375489.1, NM_001375491.1 and 1 more transcripts); c.92T>C, p.Val31Ala (NM_001302694.2, NM_001351054.2); c.89T>C, p.Val30Ala (NM_001351055.2); c.-439T>C (NM_001351057.2); c.-171T>C (NM_001375522.1, NM_001375523.1); c.-124-5470T>C (NM_001375525.1); short protein forms V31A, V39A, V13A, V30A, V40A.
Identifiers: ClinVar variation 1429827 (VCV001429827.6), dbSNP rs773535787, ClinGen allele CA3108476.
Genomic context (GRCh38, chr4:153,270,423, plus strand): 5'-GCCCCCCATGTCAGTGGTCTAGGATGGCCAGTGAAGGCACCAACATCCCAAGTCCTGTGG[T>C]GCGCCAGATTGACAAGCAGTTTCTGATTTGCAGTATATGCCTGGAACGGTACAAGAATCC-3'
Protein context (NP_056086.2, residues 30-50): SEGTNIPSPV[Val40Ala]RQIDKQFLIC

ClinVar aggregate classification (germline): Uncertain significance (1 of 4 stars; one submission).

Conditions:
Charcot-Marie-Tooth disease type 2R. Also called: CHARCOT-MARIE-TOOTH NEUROPATHY, TYPE 2R; Charcot-Marie-Tooth disease, axonal, type 2R; CHARCOT-MARIE-TOOTH DISEASE, AXONAL, AUTOSOMAL RECESSIVE, TYPE 2R. Identifiers: Orphanet 397968, MedGen C3809655, MONDO:0014208, OMIM 615490.

Allele frequency attached by ClinVar (database versions not stated): gnomAD exomes below 0.00001; ExAC 0.00001; gnomAD 0.00001; TOPMed 0.00001.
gnomAD v4.1: 6 of 1,613,912 alleles (0.00037%); highest among the groups gnomAD compares: African/African-American, 0.0013%; no homozygotes.

Submission:

Labcorp Genetics (formerly Invitae), Labcorp
Classification: Uncertain significance for Charcot-Marie-Tooth disease type 2R. Last evaluated: 2023-04-18. Review status: criteria provided, single submitter. Criteria: Invitae Variant Classification Sherloc (09022015). Collection method: clinical testing. Allele origin: germline.
Comment: This sequence change replaces valine, which is neutral and non-polar, with alanine, which is neutral and non-polar, at codon 13 of the TRIM2 protein (p.Val13Ala). In summary, the available evidence is currently insufficient to determine the role of this variant in disease. Therefore, it has been classified as a Variant of Uncertain Significance. An algorithm developed to predict the effect of missense changes on protein structure and function (PolyPhen-2) suggests that this variant is likely to be tolerated. ClinVar contains an entry for this variant (Variation ID: 1429827). This variant has not been reported in the literature in individuals affected with TRIM2-related conditions. This variant is present in population databases (rs773535787, gnomAD 0.0009%).